The following is an entry in ClinVar:

NM_006761.5(YWHAE):c.179G>A (p.Trp60Ter)

Gene: YWHAE (tyrosine 3-monooxygenase/tryptophan 5-monooxygenase activation protein epsilon; minus strand). Cytogenetic location: 17p13.3.
Variant type: single nucleotide variant.
Coding change: c.179G>A on transcript NM_006761.5 (MANE Select); coding-DNA position 179, G replaced by A.
Protein change: p.Trp60Ter; replaces tryptophan 60 with a stop codon.
Molecular consequence: nonsense. On other transcripts: non-coding transcript variant (1).
Genome position (GRCh38, 1-based): chr17:1,364,944, C>T on the plus strand (G>A on the coding strand, the complement: YWHAE is on the minus strand). VCF-style: chr17-1364944-C-T. GRCh37 (hg19) VCF-style: chr17-1268238-C-T.
Other names: short protein forms W60*.
Identifiers: ClinVar variation 2576581 (VCV002576581.3), dbSNP rs2543550682, ClinGen allele CA397522904.

ClinVar aggregate classification (germline): Likely pathogenic (1 of 4 stars; one submission).

Conditions:
YWHAE-associated disorder.

Submission:

Institute of Human Genetics, University of Leipzig Medical Center
Classification: Likely pathogenic for YWHAE-associated disorder. Last evaluated: 2023-07-05. Review status: criteria provided, single submitter. Criteria: ACMG Guidelines, 2015. Collection method: clinical testing. Allele origin: unknown. Inheritance: Autosomal dominant inheritance. Affected: yes.
Comment: Criteria applied: PVS1,PM2_SUP